The following is an entry in ClinVar:

ClinVar aggregate classification (germline): Uncertain significance (1 of 4 stars; one submission).

Conditions:
PCSK1-related disorder. Also called: PCSK1-related condition.

Submission:

PreventionGenetics, part of Exact Sciences
Classification: Uncertain significance for PCSK1-related condition. Last evaluated: 2026-07-22. Review status: criteria provided, single submitter. Criteria: ACMG Guidelines, 2015. Collection method: clinical testing. Allele origin: germline.
Comment: The PCSK1 c.2237T>C variant is predicted to result in the amino acid substitution p.Val746Ala. To our knowledge, this variant has not been reported in the literature or in a large population database (gnomAD), indicating this variant is rare. At this time, the clinical significance of this variant is uncertain due to the absence of conclusive functional and genetic evidence.

NM_000439.5(PCSK1):c.2237T>C (p.Val746Ala)

Genes: CAST (calpastatin; plus strand), PCSK1 (proprotein convertase subtilisin/kexin type 1; minus strand), LOC101929710 (uncharacterized LOC101929710; plus strand). Cytogenetic location: 5q15.
Variant type: single nucleotide variant.
Coding change: c.2237T>C on transcript NM_000439.5 (MANE Select); coding-DNA position 2237, T replaced by C.
Protein change: p.Val746Ala; replaces valine 746 with alanine.
Molecular consequence: missense variant. On other transcripts: intron variant (11).
Genome position (GRCh38, 1-based): chr5:96,393,026, A>G on the plus strand (T>C on the coding strand, the complement: PCSK1 is on the minus strand). VCF-style: chr5-96393026-A-G. GRCh37 (hg19) VCF-style: chr5-95728730-A-G.
Other names: c.-175+13374A>G (NM_001423252.1, NM_001423257.1, NM_001423260.1 and 6 more transcripts); c.2096T>C, p.Val699Ala (NM_001177875.2); c.-103+13374A>G (NM_001423253.1); c.-40+13374A>G (NM_001423258.1); short protein forms V746A, V699A.
Identifiers: ClinVar variation 4994606 (VCV004994606.1).
Genomic context (GRCh38, chr5:96,393,026, plus strand): 5'-CATGAATATTTCCAACTTGGGACCACACACTTATTTTAATTTTCCTCATTCAGAATGTCC[A>G]CCAGAGCTTGAAGCAGCCGGTCGTCTCTGTGCTTGTAAGGTTTAGTGTTATAAAAAACAT-3'
Protein context (NP_000430.3, residues 736-753): HRDDRLLQAL[Val746Ala]DILNEEN